The following is an entry in ClinVar:

NM_002473.6(MYH9):c.3103C>T (p.Arg1035Cys)

Gene: MYH9 (myosin heavy chain 9; minus strand). Cytogenetic location: 22q12.3.
Variant type: single nucleotide variant.
Coding change: c.3103C>T on transcript NM_002473.6 (MANE Select); coding-DNA position 3103, C replaced by T.
Protein change: p.Arg1035Cys; replaces arginine 1035 with cysteine.
Molecular consequence: missense variant.
Genome position (GRCh38, 1-based): chr22:36,297,012, G>A on the plus strand (C>T on the coding strand, the complement: MYH9 is on the minus strand). VCF-style: chr22-36297012-G-A. GRCh37 (hg19) VCF-style: chr22-36693058-G-A.
Other names: short protein forms R1035C.
Identifiers: ClinVar variation 1064967 (VCV001064967.4), dbSNP rs772948183, ClinGen allele CA10209744.

ClinVar aggregate classification (germline): Uncertain significance. Review status: criteria provided, multiple submitters, no conflicts (2 of 4 stars). 2 submissions from 2 submitters: Uncertain significance (2). Last evaluated 2024-12-11.

Conditions:
Hearing impairment. Also called: Impaired Hearing. Identifiers: MedGen C1384666, MONDO:0005365, HP:0000365.

Allele frequency attached by ClinVar (database versions not stated): gnomAD 0.00002; TOPMed 0.00002; gnomAD exomes 0.00001; ExAC 0.00002.
gnomAD v4.1: 14 of 1,613,686 alleles (0.00087%); highest among the groups gnomAD compares: African/African-American, 0.0027%; no homozygotes.

Submissions (2):

GeneDx
Classification: Uncertain significance. Last evaluated: 2024-12-11. Review status: criteria provided, single submitter. Criteria: GeneDx Variant Classification Process June 2021. Collection method: clinical testing. Allele origin: germline. Affected: yes.
Comment: In silico analysis supports that this missense variant has a deleterious effect on protein structure/function; Has not been previously published as pathogenic or benign in relation to MYH9-related disease to our knowledge; This variant is associated with the following publications: (PMID: 33004838)

Department of Otolaryngology – Head & Neck Surgery, Cochlear Implant Center
Classification: Uncertain significance for Hearing impairment. Last evaluated: 2021-04-12. Review status: criteria provided, single submitter. Criteria: ClinGen HL ACMG Specifications v1. Collection method: clinical testing. Allele origin: germline. Affected: yes.
Comment: PM2_Moderate, PP3_Supporting